The following is an entry in ClinVar:

ClinVar aggregate classification (germline): Uncertain significance (1 of 4 stars; one submission).

gnomAD v4.1: 9 of 1,614,052 alleles (0.00056%); highest among the groups gnomAD compares: Admixed American, 0.013%; no homozygotes.

Submission:

Labcorp Genetics (formerly Invitae), Labcorp
Classification: Uncertain significance. Last evaluated: 2025-12-12. Review status: criteria provided, single submitter. Criteria: Invitae Variant Classification Sherloc (09022015). Collection method: clinical testing. Allele origin: germline.
Comment: This sequence change replaces leucine, which is neutral and non-polar, with arginine, which is basic and polar, at codon 1302 of the MYH3 protein (p.Leu1302Arg). This variant is present in population databases (rs748599687, gnomAD 0.02%). This variant has not been reported in the literature in individuals affected with MYH3-related conditions. ClinVar contains an entry for this variant (Variation ID: 3625544). Invitae Evidence Modeling of protein sequence and biophysical properties (such as structural, functional, and spatial information, amino acid conservation, physicochemical variation, residue mobility, and thermodynamic stability) has been performed for this missense variant. However, the output from this modeling did not meet the statistical confidence thresholds required to predict the impact of this variant on MYH3 protein function. In summary, the available evidence is currently insufficient to determine the role of this variant in disease. Therefore, it has been classified as a Variant of Uncertain Significance.

NM_002470.4(MYH3):c.3905T>G (p.Leu1302Arg)

Gene: MYH3 (myosin heavy chain 3; minus strand). Cytogenetic location: 17p13.1.
Variant type: single nucleotide variant.
Coding change: c.3905T>G on transcript NM_002470.4 (MANE Select); coding-DNA position 3905, T replaced by G.
Protein change: p.Leu1302Arg; replaces leucine 1302 with arginine.
Molecular consequence: missense variant.
Genome position (GRCh38, 1-based): chr17:10,635,805, A>C on the plus strand (T>G on the coding strand, the complement: MYH3 is on the minus strand). VCF-style: chr17-10635805-A-C. GRCh37 (hg19) VCF-style: chr17-10539122-A-C.
Other names: short protein forms L1302R.
Identifiers: ClinVar variation 3625544 (VCV003625544.2).